The following is an entry in ClinVar:

NM_001323289.2(CDKL5):c.464-2A>G

Gene: CDKL5 (cyclin dependent kinase like 5; plus strand). Cytogenetic location: Xp22.13.
Variant type: single nucleotide variant.
Coding change: c.464-2A>G on transcript NM_001323289.2 (MANE Select); the canonical splice acceptor site of the intron before coding-DNA position 464, A replaced by G.
Molecular consequence: splice acceptor variant.
Genome position (GRCh38, 1-based): chrX:18,584,261, A>G. VCF-style: chrX-18584261-A-G. GRCh37 (hg19) VCF-style: chrX-18602381-A-G.
Other names: c.464-2A>G (NM_003159.3, NM_001037343.2).
Identifiers: ClinVar variation 156090 (VCV000156090.6), dbSNP rs267608480, ClinGen allele CA199406.

ClinVar aggregate classification (germline): Pathogenic. Review status: criteria provided, multiple submitters, no conflicts (2 of 4 stars). 4 submissions from 3 submitters: Pathogenic (2). 2 of the submissions do not count toward it. Last evaluated 2024-09-20.

Conditions:
CDKL5 disorder. Identifiers: MedGen CN296942, MONDO:0100039.
Inborn genetic diseases. Identifiers: MedGen C0950123, MeSH D030342.
Developmental and epileptic encephalopathy, 2 (DEE2). Also called: INFANTILE SPASM SYNDROME, X-LINKED 2; CDKL5 deficiency disorder. Identifiers: Orphanet 1934, Orphanet 3451, Orphanet 505652, MedGen C4750718, MONDO:0010396, OMIM 300672.

Submissions (4):

Centre for Population Genomics, CPG
Classification: Pathogenic for CDKL5 disorder. Last evaluated: 2024-09-20. Review status: criteria provided, single submitter. Criteria: McKnight et al. (Hum Mutat. 2022). Collection method: curation. Allele origin: germline. Inheritance: X-linked inheritance.
Comment: This variant has been collected from RettBASE and curated to current modified ACMG/AMP criteria. Based on the classification scheme defined by the ClinGen Rett/Angelman-like Expert Panel for Rett/AS-like Disorders Specifications to the ACMG/AMP Variant Interpretation Guidelines VCEP 3.0, this variant is classified as pathogenic. At least the following criteria are met: Predicted to result in loss of function, and LOF is a known mechanism of disease (PVS1). This variant is absent from gnomAD v4 (PM2_Supporting). Has been observed in at least 2 individuals with phenotypes consistent with CDKL5 disorder (PS4_Supporting). PubMed: 16015284‚ 23708187, Variation ID: 156090.

Ambry Genetics
Classification: Pathogenic for Inborn genetic diseases. Last evaluated: 2018-02-19. Review status: criteria provided, single submitter. Criteria: Ambry Variant Classification Scheme 2023. Collection method: clinical testing. Allele origin: germline.
Comment: The c.464-2A>G intronic pathogenic mutation results from an A to G substitution two nucleotides upstream from coding exon 7 in the CDKL5 gene. This mutation (denoted as IVS7-2A>G) was first described in an infant with microcephaly, severe developmental delay, failure to thrive, hand stereotypies, variable tone, and dysmorphic facial features, who met clinical criteria for Rett syndrome but whose features more closely resembled severe epileptic encephalopathy. Amplification of cDNA revealed 2 different RT-PCR products, and sequencing of the smaller product was consistent with loss of exon 8 (coding exon 7) (Evans JC et al. Eur. J. Hum. Genet., 2005 Oct;13:1113-20). This mutation has also been observed in an individual with early onset epileptic encephalopathy (Carvill GL et al. Nat. Genet., 2013 Jul;45:825-30). In addition to the clinical data presented in the literature, alterations that disrupt the canonical splice site are expected to cause aberrant splicing, resulting in an abnormal protein or a transcript that is subject to nonsense-mediated mRNA decay. As such, this alteration is classified as a disease-causing mutation.

RettBASE
Classification: Pathogenic for Epileptic encephalopathy, early infantile, 2. Last evaluated: 2014-03-13. Review status: no assertion criteria provided. Collection method: curation. Allele origin: de novo. Affected: yes. Observed: 1 variant allele. Not counted in ClinVar's aggregate classification.
Comment: Leads to exon 8 skipping, r.464_554del

RettBASE
No classification provided. Review status: flagged submission. Collection method: not provided. Allele origin: not provided. Not counted in ClinVar's aggregate classification.
ClinVar note: Reason: This record appears to be redundant with a more recent record from the same submitter.
ClinVar note: Notes: SCV000189214 appears to be redundant with SCV000222354.

Literature cited by the submitters: PubMed 16015284 (cited by Ambry Genetics and RettBASE); PubMed 23708187 (cited by Ambry Genetics).